The following is an entry in ClinVar:

NM_001330723.2(SNX27):c.988C>G (p.Arg330Gly)

Gene: SNX27 (sorting nexin 27; plus strand). Cytogenetic location: 1q21.3.
Variant type: single nucleotide variant.
Coding change: c.988C>G on transcript NM_001330723.2 (MANE Select); coding-DNA position 988, C replaced by G.
Protein change: p.Arg330Gly; replaces arginine 330 with glycine.
Molecular consequence: missense variant.
Genome position (GRCh38, 1-based): chr1:151,668,474, C>G. VCF-style: chr1-151668474-C-G. GRCh37 (hg19) VCF-style: chr1-151640950-C-G.
Other names: c.685C>G, p.Arg229Gly (NM_001437601.1, NM_001437603.1); c.679C>G, p.Arg227Gly (NM_001437602.1, NM_001437604.1); c.625C>G, p.Arg209Gly (NM_001437605.1, NM_001437606.1); c.430C>G, p.Arg144Gly (NM_001437607.1, NM_001437608.1); c.988C>G, p.Arg330Gly (NM_030918.6); short protein forms R144G, R209G, R227G, R229G, R330G.
Identifiers: ClinVar variation 4810300 (VCV004810300.1).

ClinVar aggregate classification (germline): Uncertain significance (1 of 4 stars; one submission).

Conditions:
Severe myoclonic epilepsy in infancy (DRVT). Also called: Epileptic encephalopathy, early infantile, 6 (Dravet syndrome); Dravet syndrome; SEVERE MYOCLONIC EPILEPSY OF INFANCY; DEVELOPMENTAL AND EPILEPTIC ENCEPHALOPATHY 6A; Severe Myoclonic Epilepsy in Infancy (SMEI). Identifiers: Orphanet 33069, MedGen C0751122, MONDO:0100135, OMIM 607208.

Submission:

Labcorp Genetics (formerly Invitae), Labcorp
Classification: Uncertain significance for Severe myoclonic epilepsy in infancy. Last evaluated: 2025-02-04. Review status: criteria provided, single submitter. Criteria: Invitae Variant Classification Sherloc (09022015). Collection method: clinical testing. Allele origin: germline.
Comment: This sequence change replaces arginine, which is basic and polar, with glycine, which is neutral and non-polar, at codon 330 of the SNX27 protein (p.Arg330Gly). This variant is not present in population databases (gnomAD no frequency). This variant has not been reported in the literature in individuals affected with SNX27-related conditions. An algorithm developed to predict the effect of missense changes on protein structure and function (PolyPhen-2) suggests that this variant is likely to be disruptive. Algorithms developed to predict the effect of sequence changes on RNA splicing suggest that this variant may create or strengthen a splice site. In summary, the available evidence is currently insufficient to determine the role of this variant in disease. Therefore, it has been classified as a Variant of Uncertain Significance.